The following is an entry in ClinVar:

NM_000081.4(LYST):c.2399T>G (p.Val800Gly)

Gene: LYST (lysosomal trafficking regulator; minus strand). Cytogenetic location: 1q42.3.
Variant type: single nucleotide variant.
Coding change: c.2399T>G on transcript NM_000081.4 (MANE Select); coding-DNA position 2399, T replaced by G.
Protein change: p.Val800Gly; replaces valine 800 with glycine.
Molecular consequence: missense variant.
Genome position (GRCh38, 1-based): chr1:235,806,737, A>C on the plus strand (T>G on the coding strand, the complement: LYST is on the minus strand). VCF-style: chr1-235806737-A-C. GRCh37 (hg19) VCF-style: chr1-235970037-A-C.
Other names: c.2399T>G, p.Val800Gly (NM_001301365.1); c.2399T>G (NM_000081.2); short protein forms V800G.
Identifiers: ClinVar variation 3668988 (VCV003668988.3).
Genomic context (GRCh38, chr1:235,806,737, plus strand): 5'-AATGCTTTTAGAGAATGACTTCGAATACCATTTAAGCAATTTAATTCGATTATTTGACTT[A>C]CTCCATTACAACTCAAAAACAAATCTCTTATTACCCTGTGAAAGAAAAAAAGCATGTAAA-3'
Protein context (NP_000072.2, residues 790-810): IRDLFLSCNG[Val800Gly]SQIIELNCLN

ClinVar aggregate classification (germline): Uncertain significance. Review status: criteria provided, multiple submitters, no conflicts (2 of 4 stars). 3 submissions from 3 submitters: Uncertain significance (3). Last evaluated 2025-08-31.

Conditions:
Chédiak-Higashi syndrome (CHS). Also called: Chediak-Higashi Syndrome. Identifiers: Orphanet 167, MedGen C0007965, MONDO:0008963, OMIM 214500.
Inborn genetic diseases. Identifiers: MedGen C0950123, MeSH D030342.

gnomAD v4.1: 2 of 1,613,146 alleles (0.00012%); no homozygotes.

Submissions (3):

Ambry Genetics
Classification: Uncertain significance for Inborn genetic diseases. Last evaluated: 2025-08-31. Review status: criteria provided, single submitter. Criteria: Ambry Variant Classification Scheme 2023. Collection method: clinical testing. Allele origin: germline.

Labcorp Genetics (formerly Invitae), Labcorp
Classification: Uncertain significance for Chédiak-Higashi syndrome. Last evaluated: 2024-11-09. Review status: criteria provided, single submitter. Criteria: Invitae Variant Classification Sherloc (09022015). Collection method: clinical testing. Allele origin: germline.
Comment: This sequence change replaces valine, which is neutral and non-polar, with glycine, which is neutral and non-polar, at codon 800 of the LYST protein (p.Val800Gly). This variant is not present in population databases (gnomAD no frequency). This variant has not been reported in the literature in individuals affected with LYST-related conditions. Invitae Evidence Modeling of protein sequence and biophysical properties (such as structural, functional, and spatial information, amino acid conservation, physicochemical variation, residue mobility, and thermodynamic stability) indicates that this missense variant is not expected to disrupt LYST protein function with a negative predictive value of 80%. In summary, the available evidence is currently insufficient to determine the role of this variant in disease. Therefore, it has been classified as a Variant of Uncertain Significance.

Blueprint Genetics
Classification: Uncertain significance. Last evaluated: 2023-02-10. Review status: criteria provided, single submitter. Criteria: ACMG Guidelines, 2015. Collection method: clinical testing. Allele origin: germline.